The following is an entry in ClinVar:

NM_181705.4(LYRM7):c.153_154del (p.Lys51fs)

Gene: LYRM7 (LYR motif containing 7; plus strand). Cytogenetic location: 5q23.3.
Variant type: Deletion.
Coding change: c.153_154del on transcript NM_181705.4 (MANE Select); coding-DNA positions 153 to 154, 2 bases deleted (AA; older notation c.153_154delAA).
Protein change: p.Lys51fs; shifts the reading frame from lysine 51.
Molecular consequence: frameshift variant.
Genome position (GRCh38, 1-based): chr5:131,182,290-131,182,291, AA deleted; deleting any 2 consecutive bases within chr5:131,182,288-131,182,291 gives the same sequence; the c. name uses the placement nearest the transcript's 3' end. VCF-style (leftmost placement, unchanged base first): chr5-131182287-GAA-G. GRCh37 (hg19) VCF-style: chr5-130517980-GAA-G.
Other names: c.153_154del, p.Lys51fs (NM_001293735.2); short protein forms K51fs.
Identifiers: ClinVar variation 3660807 (VCV003660807.2).

ClinVar aggregate classification (germline): Pathogenic (1 of 4 stars; one submission).

Submission:

Labcorp Genetics (formerly Invitae), Labcorp
Classification: Pathogenic. Last evaluated: 2024-07-30. Review status: criteria provided, single submitter. Criteria: Invitae Variant Classification Sherloc (09022015). Collection method: clinical testing. Allele origin: germline.
Comment: This sequence change creates a premature translational stop signal (p.Lys51Asnfs*10) in the LYRM7 gene. It is expected to result in an absent or disrupted protein product. Loss-of-function variants in LYRM7 are known to be pathogenic (PMID: 26912632). This variant is not present in population databases (gnomAD no frequency). This variant has not been reported in the literature in individuals affected with LYRM7-related conditions. For these reasons, this variant has been classified as Pathogenic.

Literature cited by the submitters: PubMed 26912632.